The following is an entry in ClinVar:

NM_000138.5(FBN1):c.3131G>T (p.Cys1044Phe)

Gene: FBN1 (fibrillin 1; minus strand). Cytogenetic location: 15q21.1.
Variant type: single nucleotide variant.
Coding change: c.3131G>T on transcript NM_000138.5 (MANE Select); coding-DNA position 3131, G replaced by T.
Protein change: p.Cys1044Phe; replaces cysteine 1044 with phenylalanine.
Molecular consequence: missense variant.
Genome position (GRCh38, 1-based): chr15:48,488,445, C>A on the plus strand (G>T on the coding strand, the complement: FBN1 is on the minus strand). VCF-style: chr15-48488445-C-A. GRCh37 (hg19) VCF-style: chr15-48780642-C-A.
Other names: short protein forms C1044F.
Identifiers: ClinVar variation 449897 (VCV000449897.2), dbSNP rs730880100, ClinGen allele CA392328137.

ClinVar aggregate classification (germline): Likely pathogenic (1 of 4 stars; one submission).

Submission:

GeneDx
Classification: Likely pathogenic. Last evaluated: 2017-04-03. Review status: criteria provided, single submitter. Criteria: GeneDx Variant Classification (06012015). Collection method: clinical testing. Allele origin: germline. Affected: yes.
Comment: A C1044F variant that is likely pathogenic was identified in the FBN1 gene. It has not been published as pathogenicor been reported as benign to our knowledge, It is not observed in large population cohorts (Lek et al., 2016; 1000Genomes Consortium et al., 2015; Exome Variant Server). The C1044F variant is a non-conservative amino acidsubstitution, which is likely to impact secondary protein structure as these residues differ in polarity, charge, sizeand/or other properties. Moreover, this substitution occurs at a position that is conserved across species, and in silicoanalysis predicts this variant is probably damaging to the protein structure/function. Furthermore, the C1044F variantaffects a cysteine residue within a calcium-binding EGF-like domain of the FBN1 gene, which may affect disulfidebonding and is predicted to alter the structure and function of the protein. Cysteine substitutions in the calciumbindingEGF-like domains represent the majority of pathogenic missense changes associated with Marfan syndrome(Collod-Beroud et al., 2003). Finally, a different missense change at the same residue (C1044R) has been reported inthe Human Gene Mutation Database, and also classified as likely pathogenic by GeneDx, in association with Marfansyndrome (Stenson et al., 2014), therefore supporting the functional importance of this region of the protein.